The following is an entry in ClinVar:

ClinVar aggregate classification (germline): Uncertain significance (1 of 4 stars; one submission).

Submission:

Ambry Genetics
Classification: Uncertain significance. Last evaluated: 2024-05-25. Review status: criteria provided, single submitter. Criteria: Ambry Variant Classification Scheme 2023. Collection method: clinical testing. Allele origin: germline.
Comment: The p.G517E variant (also known as c.1550G>A), located in coding exon 8 of the PALLD gene, results from a G to A substitution at nucleotide position 1550. The glycine at codon 517 is replaced by glutamic acid, an amino acid with similar properties. This amino acid position is conserved. In addition, this alteration is predicted to be deleterious by in silico analysis. Since supporting evidence is limited at this time, the clinical significance of this alteration remains unclear.

NM_001166108.2(PALLD):c.1550G>A (p.Gly517Glu)

Gene: PALLD (palladin, cytoskeletal associated protein; plus strand). Cytogenetic location: 4q32.3.
Variant type: single nucleotide variant.
Coding change: c.1550G>A on transcript NM_001166108.2 (MANE Select); coding-DNA position 1550, G replaced by A.
Protein change: p.Gly517Glu; replaces glycine 517 with glutamic acid.
Molecular consequence: missense variant.
Genome position (GRCh38, 1-based): chr4:168,709,076, G>A. VCF-style: chr4-168709076-G-A. GRCh37 (hg19) VCF-style: chr4-169630227-G-A.
Other names: c.404G>A, p.Gly135Glu (NM_001166109.2); c.1550G>A, p.Gly517Glu (NM_016081.4); short protein forms G135E, G517E.
Identifiers: ClinVar variation 1775050 (VCV001775050.3), dbSNP rs2531818699, ClinGen allele CA358797459.
Genomic context (GRCh38, chr4:168,709,076, plus strand): 5'-CTTCACTTCCAGAGGAGATTTGCACCCTAGTTATCGCTGAGACTTTCCCTGAAGATGCAG[G>A]GATCTTTACATGTTCAGCAAGAAATGATTATGGATCAGCAACCAGCACTGCCCAGCTGGT-3'
Protein context (NP_001159580.1, residues 507-527): VIAETFPEDA[Gly517Glu]IFTCSARNDY